The following is an entry in ClinVar:

NM_020975.6(RET):c.683C>T (p.Ala228Val)

Gene: RET (ret proto-oncogene; plus strand). Cytogenetic location: 10q11.21.
Variant type: single nucleotide variant.
Coding change: c.683C>T on transcript NM_020975.6 (MANE Select); coding-DNA position 683, C replaced by T.
Protein change: p.Ala228Val; replaces alanine 228 with valine.
Molecular consequence: missense variant. On other transcripts: 5 prime UTR variant (1), intron variant (22).
Genome position (GRCh38, 1-based): chr10:43,105,009, C>T. VCF-style: chr10-43105009-C-T. GRCh37 (hg19) VCF-style: chr10-43600457-C-T.
Other names: c.-80C>T (NM_001355216.2); c.683C>T, p.Ala228Val (NM_001406743.1, NM_001406744.1, NM_001406759.1 and 6 more transcripts); c.554C>T, p.Ala185Val (NM_001406761.1, NM_001406762.1, NM_001406764.1 and 2 more transcripts); c.395C>T, p.Ala132Val (NM_001406766.1, NM_001406767.1, NM_001406770.1); c.625+2380C>T (NM_001406773.1, NM_001406771.1, NM_001406782.1 and 5 more transcripts); c.496+2380C>T (NM_001406786.1, NM_001406783.1); c.338-4022C>T (NM_001406778.1, NM_001406775.1, NM_001406776.1 and 1 more transcripts); c.337+4287C>T (NM_001406790.1, NM_001406788.1, NM_001406789.1 and 1 more transcripts); and 2 more; short protein forms A228V, A132V, A185V.
Identifiers: ClinVar variation 4152806 (VCV004152806.1).

ClinVar aggregate classification (germline): Uncertain significance (1 of 4 stars; one submission).

Conditions:
Hereditary cancer-predisposing syndrome. Also called: Neoplastic Syndromes, Hereditary; Tumor predisposition; Hereditary Cancer Syndrome; Hereditary neoplastic syndrome. Identifiers: Orphanet 140162, MedGen C0027672, MeSH D009386, MONDO:0015356.

Submission:

Ambry Genetics
Classification: Uncertain significance for Hereditary cancer-predisposing syndrome. Last evaluated: 2025-08-12. Review status: criteria provided, single submitter. Criteria: Ambry Variant Classification Scheme 2023. Collection method: clinical testing. Allele origin: germline.
Comment: The p.A228V variant (also known as c.683C>T), located in coding exon 4 of the RET gene, results from a C to T substitution at nucleotide position 683. The alanine at codon 228 is replaced by valine, an amino acid with similar properties. This amino acid position is conserved. In addition, this alteration is predicted to be tolerated by in silico analysis. Based on the available evidence, the clinical significance of this variant remains unclear.